The following is an entry in ClinVar:

NM_052947.4(ALPK2):c.2937T>A (p.Ser979Arg)

Gene: ALPK2 (alpha kinase 2; minus strand). Cytogenetic location: 18q21.31.
Variant type: single nucleotide variant.
Coding change: c.2937T>A on transcript NM_052947.4 (MANE Select); coding-DNA position 2937, T replaced by A.
Protein change: p.Ser979Arg; replaces serine 979 with arginine.
Molecular consequence: missense variant.
Genome position (GRCh38, 1-based): chr18:58,537,250, A>T on the plus strand (T>A on the coding strand, the complement: ALPK2 is on the minus strand). VCF-style: chr18-58537250-A-T. GRCh37 (hg19) VCF-style: chr18-56204482-A-T.
Other names: short protein forms S979R.
Identifiers: ClinVar variation 1797872 (VCV001797872.2), dbSNP rs2518877066, ClinGen allele CA402569456.

ClinVar aggregate classification (germline): Uncertain significance (1 of 4 stars; one submission).

Submission:

Ambry Genetics
Classification: Uncertain significance. Last evaluated: 2022-02-05. Review status: criteria provided, single submitter. Criteria: Ambry Variant Classification Scheme 2023. Collection method: clinical testing. Allele origin: germline.
Comment: The p.S979R variant (also known as c.2937T>A), located in coding exon 4 of the ALPK2 gene, results from a T to A substitution at nucleotide position 2937. The serine at codon 979 is replaced by arginine, an amino acid with dissimilar properties. This amino acid position is conserved. In addition, this alteration is predicted to be tolerated by in silico analysis. Since supporting evidence is limited at this time, the clinical significance of this alteration remains unclear.